The following is an entry in ClinVar:

NM_001145809.2(MYH14):c.4927G>A (p.Glu1643Lys)

Gene: MYH14 (myosin heavy chain 14; plus strand). Cytogenetic location: 19q13.33.
Variant type: single nucleotide variant.
Coding change: c.4927G>A on transcript NM_001145809.2 (MANE Select); coding-DNA position 4927, G replaced by A.
Protein change: p.Glu1643Lys; replaces glutamic acid 1643 with lysine.
Molecular consequence: missense variant.
Genome position (GRCh38, 1-based): chr19:50,289,610, G>A. VCF-style: chr19-50289610-G-A. GRCh37 (hg19) VCF-style: chr19-50792867-G-A.
Other names: c.4828G>A, p.Glu1610Lys (NM_001077186.2); c.4804G>A, p.Glu1602Lys (NM_024729.4); short protein forms E1602K, E1610K, E1643K.
Identifiers: ClinVar variation 2578273 (VCV002578273.1), dbSNP rs769198691, ClinGen allele CA9593638.
Genomic context (GRCh38, chr19:50,289,610, plus strand): 5'-CTGGAGGTGACTGTGCAGGCTCTCAAGACTCAGCATGAGCGTGACCTGCAGGGCCGTGAT[G>A]AGGCTGGTGAAGAGAGGCGGAGGCAGCTGGCCAAGCAGGTATTGTCACACAGAAGGCCAC-3'
Protein context (NP_001139281.1, residues 1633-1653): QHERDLQGRD[Glu1643Lys]AGEERRRQLA

ClinVar aggregate classification (germline): Uncertain significance (1 of 4 stars; one submission).

Allele frequency attached by ClinVar (database versions not stated): ExAC 0.00001; gnomAD 0.00001; gnomAD exomes 0.00001; TOPMed 0.00002.
gnomAD v4.1: 9 of 1,612,270 alleles (0.00056%); highest among the groups gnomAD compares: Admixed American, 0.0017%; no homozygotes.

Submission:

GeneDx
Classification: Uncertain significance. Last evaluated: 2023-03-01. Review status: criteria provided, single submitter. Criteria: GeneDx Variant Classification Process June 2021. Collection method: clinical testing. Allele origin: germline. Affected: yes.
Comment: In silico analysis supports that this missense variant has a deleterious effect on protein structure/function; Has not been previously published as pathogenic or benign to our knowledge